The following is an entry in ClinVar:

NM_001354604.2(MITF):c.811C>A (p.Pro271Thr)

Gene: MITF (melanocyte inducing transcription factor; plus strand). Cytogenetic location: 3p13.
Variant type: single nucleotide variant.
Coding change: c.811C>A on transcript NM_001354604.2 (MANE Select); coding-DNA position 811, C replaced by A.
Protein change: p.Pro271Thr; replaces proline 271 with threonine.
Molecular consequence: missense variant.
Genome position (GRCh38, 1-based): chr3:69,949,099, C>A. VCF-style: chr3-69949099-C-A. GRCh37 (hg19) VCF-style: chr3-69998250-C-A.
Other names: c.490C>A, p.Pro164Thr (NM_000248.4, NM_198158.3); c.655C>A, p.Pro219Thr (NM_001184967.2, NM_001354608.2); c.808C>A, p.Pro270Thr (NM_001354605.2, NM_001354606.2, NM_006722.3); c.760C>A, p.Pro254Thr (NM_001354607.2); c.811C>A, p.Pro271Thr (NM_198159.3); c.763C>A, p.Pro255Thr (NM_198177.3); c.322C>A, p.Pro108Thr (NM_198178.3); short protein forms P108T, P219T, P270T, P255T, P164T, P254T, P271T.
Identifiers: ClinVar variation 2929789 (VCV002929789.3), dbSNP rs1179191278, ClinGen allele CA353561339.

ClinVar aggregate classification (germline): Uncertain significance (1 of 4 stars; one submission).

Conditions:
Melanoma, cutaneous malignant, susceptibility to, 8. Also called: Cutaneous malignant melanoma 8; MELANOMA AND RENAL CELL CARCINOMA, SUSCEPTIBILITY TO. Identifiers: Orphanet 293822, MedGen C3152204, MONDO:0013759, OMIM 614456.
Tietz syndrome (TADS). Also called: ALBINISM-DEAFNESS OF TIETZ; HYPOPIGMENTATION/DEAFNESS OF TIETZ; TIETZ ALBINISM-DEAFNESS SYNDROME. Identifiers: Orphanet 42665, MedGen C0391816, MONDO:0007077, OMIM 103500.
Waardenburg syndrome type 2A (WS2A). Also called: WAARDENBURG SYNDROME WITHOUT DYSTOPIA CANTHORUM. Identifiers: Orphanet 3440, MedGen C1860339, MONDO:0008671, OMIM 193510.

Allele frequency attached by ClinVar (database versions not stated): gnomAD 0.00001; TOPMed 0.00001.
gnomAD v4.1: 2 of 1,613,538 alleles (0.00012%); highest among the groups gnomAD compares: Non-Finnish European, 0.00017%; no homozygotes.

Submission:

Labcorp Genetics (formerly Invitae), Labcorp
Classification: Uncertain significance for Melanoma, cutaneous malignant, susceptibility to, 8; Waardenburg syndrome type 2A; Tietz syndrome. Last evaluated: 2026-02-01. Review status: criteria provided, single submitter. Criteria: Invitae Variant Classification Sherloc (09022015). Collection method: clinical testing. Allele origin: germline.
Comment: This sequence change replaces proline, which is neutral and non-polar, with threonine, which is neutral and polar, at codon 164 of the MITF protein (p.Pro164Thr). This variant is not present in population databases (gnomAD no frequency). This variant has not been reported in the literature in individuals affected with MITF-related conditions. ClinVar contains an entry for this variant (Variation ID: 2929789). Invitae Evidence Modeling of protein sequence and biophysical properties (such as structural, functional, and spatial information, amino acid conservation, physicochemical variation, residue mobility, and thermodynamic stability) indicates that this missense variant is not expected to disrupt MITF protein function with a negative predictive value of 80%. In summary, the available evidence is currently insufficient to determine the role of this variant in disease. Therefore, it has been classified as a Variant of Uncertain Significance.